The following is an entry in ClinVar:

ClinVar aggregate classification (germline): Pathogenic (1 of 4 stars; one submission).

gnomAD v4.1: 4 of 1,612,762 alleles (0.00025%); highest among the groups gnomAD compares: Non-Finnish European, 0.00034%; no homozygotes.

Submission:

Labcorp Genetics (formerly Invitae), Labcorp
Classification: Pathogenic. Last evaluated: 2022-12-02. Review status: criteria provided, single submitter. Criteria: Invitae Variant Classification Sherloc (09022015). Collection method: clinical testing. Allele origin: germline.
Comment: For these reasons, this variant has been classified as Pathogenic. ClinVar contains an entry for this variant (Variation ID: 1457056). This variant has not been reported in the literature in individuals affected with C9-related conditions. This variant is not present in population databases (gnomAD no frequency). This sequence change creates a premature translational stop signal (p.Glu300*) in the C9 gene. It is expected to result in an absent or disrupted protein product. Loss-of-function variants in C9 are known to be pathogenic (PMID: 9144525, 9570574).

Literature cited by the submitters: PubMed 9144525; PubMed 9570574.

NM_001737.5(C9):c.898G>T (p.Glu300Ter)

Gene: C9 (complement C9; minus strand). Cytogenetic location: 5p13.1.
Variant type: single nucleotide variant.
Coding change: c.898G>T on transcript NM_001737.5 (MANE Select); coding-DNA position 898, G replaced by T.
Protein change: p.Glu300Ter; replaces glutamic acid 300 with a stop codon.
Molecular consequence: nonsense.
Genome position (GRCh38, 1-based): chr5:39,311,350, C>A on the plus strand (G>T on the coding strand, the complement: C9 is on the minus strand). VCF-style: chr5-39311350-C-A. GRCh37 (hg19) VCF-style: chr5-39311452-C-A.
Other names: short protein forms E300*.
Identifiers: ClinVar variation 1457056 (VCV001457056.6), dbSNP rs2111887398, ClinGen allele CA359556763.
Genomic context (GRCh38, chr5:39,311,350, plus strand): 5'-CAAAAGTTGTTGTGAGCACAACATCGCGATTTCTCATTACAAATCTTCCCAGATGAATTT[C>A]TCCTTTCACATGCAGAAACATTTTTTCCTGTGTTGTAGAGCAGATGAAGAAGAGAAACAT-3'